The following is an entry in ClinVar:

NM_005228.5(EGFR):c.2419G>C (p.Asp807His)

Genes: EGFR (epidermal growth factor receptor; plus strand), EGFR-AS1 (EGFR antisense RNA 1; minus strand). Cytogenetic location: 7p11.2.
Variant type: single nucleotide variant.
Coding change: c.2419G>C on transcript NM_005228.5 (MANE Select); coding-DNA position 2419, G replaced by C.
Protein change: p.Asp807His; replaces aspartic acid 807 with histidine.
Molecular consequence: missense variant. On other transcripts: non-coding transcript variant (1).
Genome position (GRCh38, 1-based): chr7:55,181,428, G>C. VCF-style: chr7-55181428-G-C. GRCh37 (hg19) VCF-style: chr7-55249121-G-C.
Other names: c.2284G>C, p.Asp762His (NM_001346897.2, NM_001346899.2); c.2419G>C, p.Asp807His (NM_001346898.2); c.2260G>C, p.Asp754His (NM_001346900.2); c.1618G>C, p.Asp540His (NM_001346941.2); short protein forms D540H, D754H, D762H, D807H.
Identifiers: ClinVar variation 4870208 (VCV004870208.2).

ClinVar aggregate classification (germline): Uncertain significance. Review status: criteria provided, multiple submitters, no conflicts (2 of 4 stars). 2 submissions from 2 submitters: Uncertain significance (2). Last evaluated 2026-03-20.

Conditions:
Hereditary cancer-predisposing syndrome. Also called: Neoplastic Syndromes, Hereditary; Tumor predisposition; Hereditary neoplastic syndrome; Hereditary Cancer Syndrome. Identifiers: Orphanet 140162, MedGen C0027672, MeSH D009386, MONDO:0015356.

Submissions (2):

Ambry Genetics
Classification: Uncertain significance for Hereditary cancer-predisposing syndrome. Last evaluated: 2026-03-20. Review status: criteria provided, single submitter. Criteria: Ambry Variant Classification Scheme 2023. Collection method: clinical testing. Allele origin: germline.
Comment: The p.D807H variant (also known as c.2419G>C), located in coding exon 20 of the EGFR gene, results from a G to C substitution at nucleotide position 2419. The aspartic acid at codon 807 is replaced by histidine, an amino acid with similar properties. This amino acid position is well conserved in available vertebrate species. In addition, this alteration is predicted to be deleterious by in silico analysis. Based on the available evidence, the clinical significance of this variant remains unclear.

Blueprint Genetics
Classification: Uncertain significance. Last evaluated: 2024-08-02. Review status: criteria provided, single submitter. Criteria: ACMG Guidelines, 2015. Collection method: clinical testing. Allele origin: germline.